The following is an entry in ClinVar:

NM_152564.5(VPS13B):c.6625dup (p.Ile2209fs)

Gene: VPS13B (vacuolar protein sorting 13 homolog B; plus strand). Cytogenetic location: 8q22.2.
Variant type: Duplication.
Coding change: c.6625dup on transcript NM_152564.5 (MANE Select); coding-DNA position 6625, one base duplicated (A; older notation c.6625dupA).
Protein change: p.Ile2209fs; shifts the reading frame from isoleucine 2209.
Molecular consequence: frameshift variant.
Genome position (GRCh38, 1-based): chr8:99,717,341, A duplicated; the last of 5 consecutive A bases (chr8:99,717,337-99,717,341); duplicating any one gives the same sequence. VCF-style (leftmost placement, unchanged base first): chr8-99717336-C-CA. GRCh37 (hg19) VCF-style: chr8-100729564-C-CA.
Other names: c.6700dup, p.Ile2234fs (NM_017890.5); short protein forms I2209fs, I2234fs.
Identifiers: ClinVar variation 1073138 (VCV001073138.7), dbSNP rs2130317561, ClinGen allele CA2499219484.
Genomic context (GRCh38, chr8:99,717,336, plus strand): 5'-CCAATCTGGAAGCTAAGTGGTGTAAACACAGCGGGAATCCAGGCCCAGAACAATCCATAC[C>CA]AAAAATATCCATTGACTTAAGAGGAGGTCTACTACAGGTCTGTGGGTATTGGCCATATTT-3'

ClinVar aggregate classification (germline): Pathogenic (1 of 4 stars; one submission).

Conditions:
Cohen syndrome (COH1). Also called: PEPPER SYNDROME; Cutis verticis gyrata, retinitis pigmentosa, and sensorineural deafness. Identifiers: Orphanet 193, MedGen C0265223, MONDO:0008999, OMIM 216550.

Submission:

Labcorp Genetics (formerly Invitae), Labcorp
Classification: Pathogenic for Cohen syndrome. Last evaluated: 2020-01-31. Review status: criteria provided, single submitter. Criteria: Invitae Variant Classification Sherloc (09022015). Collection method: clinical testing. Allele origin: germline.
Comment: This variant is not present in population databases (ExAC no frequency). This sequence change creates a premature translational stop signal (p.Ile2234Asnfs*4) in the VPS13B gene. It is expected to result in an absent or disrupted protein product. This variant has not been reported in the literature in individuals with VPS13B-related conditions. For these reasons, this variant has been classified as Pathogenic. Loss-of-function variants in VPS13B are known to be pathogenic (PMID: 15141358, 16648375, 20461111).

Literature cited by the submitters: PubMed 15141358; PubMed 16648375; PubMed 20461111.